The following is an entry in ClinVar:

ClinVar aggregate classification (germline): Benign (1 of 4 stars; one submission).

Conditions:
CBL-related disorder. Also called: NOONAN SYNDROME-LIKE DISORDER WITHOUT JUVENILE MYELOMONOCYTIC LEUKEMIA; CBL MUTATION-ASSOCIATED SYNDROME; CBL SYNDROME. Identifiers: Orphanet 363972, MedGen C3150803, MONDO:0013308, OMIM 613563.

Allele frequency attached by ClinVar (database versions not stated): gnomAD exomes 0.00009; gnomAD 0.00043 and 0.00046; 1000 Genomes Project 30x 0.00047; TOPMed 0.00056; 1000 Genomes Project 0.00060.
gnomAD v4.1: 70 of 226,144 alleles (0.031%); highest among the groups gnomAD compares: African/African-American, 0.15%; no homozygotes.

Submission:

Illumina Laboratory Services, Illumina
Classification: Benign for CBL-related disorder. Last evaluated: 2018-01-12. Review status: criteria provided, single submitter. Criteria: ICSL Variant Classification Criteria 13 December 2019. Collection method: clinical testing. Allele origin: germline.
Comment: This variant was observed in the ICSL laboratory as part of a predisposition screen in an ostensibly healthy population. It had not been previously curated by ICSL or reported in the Human Gene Mutation Database (HGMD: prior to June 1st, 2018), and was therefore a candidate for classification through an automated scoring system. Utilizing variant allele frequency, disease prevalence and penetrance estimates, and inheritance mode, an automated score was calculated to assess if this variant is too frequent to cause the disease. Based on the score and internal cut-off values, a variant classified as benign is not then subjected to further curation. The score for this variant resulted in a classification of benign for this disease.

NM_005188.4(CBL):c.*5811C>T

Gene: CBL (Cbl proto-oncogene; plus strand). Cytogenetic location: 11q23.3.
Variant type: single nucleotide variant.
Coding change: c.*5811C>T on transcript NM_005188.4 (MANE Select); 5811 bases downstream of the stop codon, C replaced by T.
Molecular consequence: 3 prime UTR variant.
Genome position (GRCh38, 1-based): chr11:119,305,592, C>T. VCF-style: chr11-119305592-C-T. GRCh37 (hg19) VCF-style: chr11-119176302-C-T.
Identifiers: ClinVar variation 302872 (VCV000302872.5), dbSNP rs569624112, ClinGen allele CA10633723.